The following is an entry in ClinVar:

NM_213599.3(ANO5):c.1768A>G (p.Thr590Ala)

Gene: ANO5 (anoctamin 5; plus strand). Cytogenetic location: 11p14.3.
Variant type: single nucleotide variant.
Coding change: c.1768A>G on transcript NM_213599.3 (MANE Select); coding-DNA position 1768, A replaced by G.
Protein change: p.Thr590Ala; replaces threonine 590 with alanine.
Molecular consequence: missense variant.
Genome position (GRCh38, 1-based): chr11:22,262,266, A>G. VCF-style: chr11-22262266-A-G. GRCh37 (hg19) VCF-style: chr11-22283812-A-G.
Other names: c.1765A>G, p.Thr589Ala (NM_001142649.2); c.1726A>G, p.Thr576Ala (NM_001410963.1); c.1723A>G, p.Thr575Ala (NM_001410964.1); short protein forms T575A, T576A, T589A, T590A.
Identifiers: ClinVar variation 3753736 (VCV003753736.2).

ClinVar aggregate classification (germline): Uncertain significance (1 of 4 stars; one submission).

Conditions:
Gnathodiaphyseal dysplasia (GDD). Also called: GNATHODIAPHYSEAL SCLEROSIS; OSTEOGENESIS IMPERFECTA WITH UNUSUAL SKELETAL LESIONS. Identifiers: Orphanet 53697, MedGen C1833736, MONDO:0008151, OMIM 166260.
Autosomal recessive limb-girdle muscular dystrophy type 2L (LGMDR12). Also called: Limb-girdle muscular dystrophy, type 2L; MUSCULAR DYSTROPHY, LIMB-GIRDLE, AUTOSOMAL RECESSIVE 12; Limb-Girdle Muscular Dystrophy R12 Anoctamin-5-Related (LGMD-R12). Identifiers: Orphanet 206549, MedGen C1969785, MONDO:0012652, OMIM 611307.

Submission:

Labcorp Genetics (formerly Invitae), Labcorp
Classification: Uncertain significance for Autosomal recessive limb-girdle muscular dystrophy type 2L; Gnathodiaphyseal dysplasia. Last evaluated: 2024-07-11. Review status: criteria provided, single submitter. Criteria: Invitae Variant Classification Sherloc (09022015). Collection method: clinical testing. Allele origin: germline.
Comment: This sequence change replaces threonine, which is neutral and polar, with alanine, which is neutral and non-polar, at codon 590 of the ANO5 protein (p.Thr590Ala). This variant is not present in population databases (gnomAD no frequency). This variant has not been reported in the literature in individuals affected with ANO5-related conditions. Advanced modeling of protein sequence and biophysical properties (such as structural, functional, and spatial information, amino acid conservation, physicochemical variation, residue mobility, and thermodynamic stability) performed at Invitae indicates that this missense variant is not expected to disrupt ANO5 protein function with a negative predictive value of 95%. In summary, the available evidence is currently insufficient to determine the role of this variant in disease. Therefore, it has been classified as a Variant of Uncertain Significance.